The following is an entry in ClinVar:

NM_012210.4(TRIM32):c.882T>C (p.Ala294=)

Genes: ASTN2 (astrotactin 2; minus strand), TRIM32 (tripartite motif containing 32; plus strand). Cytogenetic location: 9q33.1.
Variant type: single nucleotide variant.
Coding change: c.882T>C on transcript NM_012210.4 (MANE Select); coding-DNA position 882, T replaced by C.
Protein change: p.Ala294=; no amino-acid change (alanine 294 retained).
Molecular consequence: synonymous variant. On other transcripts: intron variant (3).
Genome position (GRCh38, 1-based): chr9:116,698,624, T>C. VCF-style: chr9-116698624-T-C. GRCh37 (hg19) VCF-style: chr9-119460903-T-C.
Other names: c.882T>C, p.Ala294= (NM_001099679.2, NM_001379048.1, NM_001379049.1 and 1 more transcripts); c.2653+27147A>G (NM_014010.5); c.2794+27147A>G (NM_001365069.1); c.2806+27147A>G (NM_001365068.1).
Identifiers: ClinVar variation 387863 (VCV000387863.1), dbSNP rs751714214, ClinGen allele CA5211061.
Genomic context (GRCh38, chr9:116,698,624, plus strand): 5'-CCTGCAAGATGTGGAGCTCCTTAAGGTAGGTCATGTTGGCCCCCTCCAAATTGGACAAGC[T>C]GTTAAGAAGCCCCGGACAGTTAACGTGGAAGATTCCTGGGCCATGGAGGCCACAGCGTCT-3'
Protein context (NP_036342.2, residues 284-304): GHVGPLQIGQ[Ala294=]VKKPRTVNVE

ClinVar aggregate classification (germline): Likely benign (1 of 4 stars; one submission).

Allele frequency attached by ClinVar (database versions not stated): ExAC 0.00001; gnomAD exomes below 0.00001.
gnomAD v4.1: 1 of 1,614,142 alleles (0.000062%); highest among the groups gnomAD compares: Non-Finnish European, 0.000085%; no homozygotes.

Submission:

GeneDx
Classification: Likely benign. Last evaluated: 2016-08-08. Review status: criteria provided, single submitter. Criteria: GeneDx Variant Classification (06012015). Collection method: clinical testing. Allele origin: germline. Affected: yes.
Comment: This variant is considered likely benign or benign based on one or more of the following criteria: it is a conservative change, it occurs at a poorly conserved position in the protein, it is predicted to be benign by multiple in silico algorithms, and/or has population frequency not consistent with disease.